The following is an entry in ClinVar:

ClinVar aggregate classification (germline): Uncertain significance (1 of 4 stars; one submission).

Conditions:
Progressive myoclonic epilepsy. Also called: Familial progressive myoclonic epilepsy; Myoclonic Epilepsies, Progressive; Myoclonus epilepsy; Progressive myoclonus epilepsy. Identifiers: Orphanet 308, Orphanet 98261, MedGen C0751778, MONDO:0020074.

Submission:

Labcorp Genetics (formerly Invitae), Labcorp
Classification: Uncertain significance for Progressive myoclonic epilepsy. Last evaluated: 2020-03-14. Review status: criteria provided, single submitter. Criteria: Invitae Variant Classification Sherloc (09022015). Collection method: clinical testing. Allele origin: germline.
Comment: This variant has not been reported in the literature in individuals with SCARB2-related conditions. This variant is not present in population databases (ExAC no frequency). This sequence change replaces threonine with serine at codon 280 of the SCARB2 protein (p.Thr280Ser). The threonine residue is moderately conserved and there is a small physicochemical difference between threonine and serine. Algorithms developed to predict the effect of missense changes on protein structure and function (SIFT, PolyPhen-2, Align-GVGD) all suggest that this variant is likely to be tolerated, but these predictions have not been confirmed by published functional studies and their clinical significance is uncertain. In summary, the available evidence is currently insufficient to determine the role of this variant in disease. Therefore, it has been classified as a Variant of Uncertain Significance.

NM_005506.4(SCARB2):c.839C>G (p.Thr280Ser)

Gene: SCARB2 (scavenger receptor class B member 2; minus strand). Cytogenetic location: 4q21.1.
Variant type: single nucleotide variant.
Coding change: c.839C>G on transcript NM_005506.4 (MANE Select); coding-DNA position 839, C replaced by G.
Protein change: p.Thr280Ser; replaces threonine 280 with serine.
Molecular consequence: missense variant.
Genome position (GRCh38, 1-based): chr4:76,174,299, G>C on the plus strand (C>G on the coding strand, the complement: SCARB2 is on the minus strand). VCF-style: chr4-76174299-G-C. GRCh37 (hg19) VCF-style: chr4-77095452-G-C.
Other names: c.410C>G, p.Thr137Ser (NM_001204255.2); short protein forms T137S, T280S.
Identifiers: ClinVar variation 1019496 (VCV001019496.8), dbSNP rs768765087, ClinGen allele CA357316013.
Genomic context (GRCh38, chr4:76,174,299, plus strand): 5'-TCTGCAGGAACTTTATACCGAAAGGCAGGCAGTCCCTGTACACTCTCATAGTCACTGAAA[G>C]TAATATACACTGACCTGTTAGGATGTAAGAATAAAAAGTGAATGTGGACTCTGGTCAGTG-3'
Protein context (NP_005497.1, residues 270-290): PSDFCRSVYI[Thr280Ser]FSDYESVQGL